The following is an entry in ClinVar:

NM_001283.5(AP1S1):c.421C>T (p.Leu141=)

Gene: AP1S1 (adaptor related protein complex 1 subunit sigma 1; plus strand). Cytogenetic location: 7q22.1.
Variant type: single nucleotide variant.
Coding change: c.421C>T on transcript NM_001283.5 (MANE Select); coding-DNA position 421, C replaced by T.
Protein change: p.Leu141=; no amino-acid change (leucine 141 retained).
Molecular consequence: synonymous variant.
Genome position (GRCh38, 1-based): chr7:101,159,188, C>T. VCF-style: chr7-101159188-C-T. GRCh37 (hg19) VCF-style: chr7-100802469-C-T.
Identifiers: ClinVar variation 4983223 (VCV004983223.1).

ClinVar aggregate classification (germline): Likely benign (1 of 4 stars; one submission).

Conditions:
AP1S1-related disorder. Also called: AP1S1-related condition.

Submission:

PreventionGenetics, part of Exact Sciences
Classification: Likely benign for AP1S1-related condition. Last evaluated: 2026-01-13. Review status: criteria provided, single submitter. Criteria: ACMG Guidelines, 2015. Collection method: clinical testing. Allele origin: germline.
Comment: This variant is classified as likely benign based on ACMG/AMP sequence variant interpretation guidelines (Richards et al. 2015 PMID: 25741868, with internal and published modifications).